The following is an entry in ClinVar:

NM_020774.4(MIB1):c.958G>A (p.Gly320Arg)

Gene: MIB1 (MIB E3 ubiquitin protein ligase 1; plus strand). Cytogenetic location: 18q11.2.
Variant type: single nucleotide variant.
Coding change: c.958G>A on transcript NM_020774.4 (MANE Select); coding-DNA position 958, G replaced by A.
Protein change: p.Gly320Arg; replaces glycine 320 with arginine.
Molecular consequence: missense variant.
Genome position (GRCh38, 1-based): chr18:21,791,423, G>A. VCF-style: chr18-21791423-G-A. GRCh37 (hg19) VCF-style: chr18-19371384-G-A.
Other names: short protein forms G320R.
Identifiers: ClinVar variation 3395759 (VCV003395759.1).
Genomic context (GRCh38, chr18:21,791,423, plus strand): 5'-TGCTCTTGTAGGTGGACCTTCAATCCTGCTGTTCTCACTAAAGCGAACATTGTCCGAAGT[G>A]GAGATGCTGCTCAGGGTGCAGAAGGAGGCACCTCGCAGTTTCAAGTGGGTGATCTTGTAC-3'
Protein context (NP_065825.1, residues 310-330): VLTKANIVRS[Gly320Arg]DAAQGAEGGT

ClinVar aggregate classification (germline): Uncertain significance (1 of 4 stars; one submission).

Conditions:
Inborn genetic diseases. Identifiers: MedGen C0950123, MeSH D030342.

gnomAD v4.1: 2 of 1,613,842 alleles (0.00012%); highest among the groups gnomAD compares: Non-Finnish European, 0.00017%; no homozygotes.

Submission:

Ambry Genetics
Classification: Uncertain significance for Inborn genetic diseases. Last evaluated: 2024-07-01. Review status: criteria provided, single submitter. Criteria: Ambry Variant Classification Scheme 2023. Collection method: clinical testing. Allele origin: germline.
Comment: The p.G320R variant (also known as c.958G>A), located in coding exon 7 of the MIB1 gene, results from a G to A substitution at nucleotide position 958. The glycine at codon 320 is replaced by arginine, an amino acid with dissimilar properties. This amino acid position is conserved. In addition, the in silico prediction for this alteration is inconclusive. Based on the available evidence, the clinical significance of this variant remains unclear.